The following is an entry in ClinVar:

ClinVar aggregate classification (germline): Uncertain significance (1 of 4 stars; one submission).

Submission:

CeGaT Center for Human Genetics Tuebingen
Classification: Uncertain significance. Last evaluated: 2022-11-01. Review status: criteria provided, single submitter. Criteria: CeGaT Center For Human Genetics Tuebingen Variant Classification Criteria Version 2. Collection method: clinical testing. Allele origin: germline. Affected: yes. Observed: 1 variant allele.
Comment: DSTYK: PM2, PP3

NM_015375.3(DSTYK):c.1915G>A (p.Glu639Lys)

Gene: DSTYK (dual serine/threonine and tyrosine protein kinase; minus strand). Cytogenetic location: 1q32.1.
Variant type: single nucleotide variant.
Coding change: c.1915G>A on transcript NM_015375.3 (MANE Select); coding-DNA position 1915, G replaced by A.
Protein change: p.Glu639Lys; replaces glutamic acid 639 with lysine.
Molecular consequence: missense variant.
Genome position (GRCh38, 1-based): chr1:205,161,291, C>T on the plus strand (G>A on the coding strand, the complement: DSTYK is on the minus strand). VCF-style: chr1-205161291-C-T. GRCh37 (hg19) VCF-style: chr1-205130419-C-T.
Other names: c.1915G>A, p.Glu639Lys (NM_199462.3); short protein forms E639K.
Identifiers: ClinVar variation 2639847 (VCV002639847.24), dbSNP rs2526826522, ClinGen allele CA344395055.